The following is an entry in ClinVar:

ClinVar aggregate classification (germline): Likely benign. Review status: criteria provided, multiple submitters, no conflicts (2 of 4 stars). 4 submissions from 4 submitters: Likely benign (4). Last evaluated 2026-06-22.

Conditions:
SON-related disorder. Also called: SON-related condition.

Allele frequency attached by ClinVar (database versions not stated): gnomAD exomes 0.00005 and 0.00008; TOPMed 0.00007; gnomAD 0.00008 and 0.00009; ExAC 0.00012.
gnomAD v4.1: 85 of 1,613,996 alleles (0.0053%); highest among the groups gnomAD compares: African/African-American, 0.008%; no homozygotes.

Submissions (4):

PreventionGenetics, part of Exact Sciences
Classification: Likely benign for SON-related condition. Last evaluated: 2026-06-22. Review status: criteria provided, single submitter. Criteria: ACMG Guidelines, 2015. Collection method: clinical testing. Allele origin: germline.
Comment: This variant is classified as likely benign based on ACMG/AMP sequence variant interpretation guidelines (Richards et al. 2015 PMID: 25741868, with internal and published modifications).

CeGaT Center for Human Genetics Tuebingen
Classification: Likely benign. Last evaluated: 2026-02-01. Review status: criteria provided, single submitter. Criteria: CeGaT Center For Human Genetics Tuebingen Variant Classification Criteria Version 2. Collection method: clinical testing. Allele origin: germline. Affected: yes. Observed: 5 variant alleles.
Comment: SON: BS1

Labcorp Genetics (formerly Invitae), Labcorp
Classification: Likely benign. Last evaluated: 2026-01-12. Review status: criteria provided, single submitter. Criteria: Invitae Variant Classification Sherloc (09022015). Collection method: clinical testing. Allele origin: germline.

Laboratory of Genetics, Children's Clinical University Hospital Latvia
Classification: Likely benign. Last evaluated: 2025-02-16. Review status: criteria provided, single submitter. Criteria: ACMG Guidelines, 2015. Collection method: clinical testing. Allele origin: germline. Affected: yes.

NM_138927.4(SON):c.4991T>C (p.Ile1664Thr)

Gene: SON (SON DNA and RNA binding protein; plus strand). Cytogenetic location: 21q22.11.
Variant type: single nucleotide variant.
Coding change: c.4991T>C on transcript NM_138927.4 (MANE Select); coding-DNA position 4991, T replaced by C.
Protein change: p.Ile1664Thr; replaces isoleucine 1664 with threonine.
Molecular consequence: missense variant. On other transcripts: non-coding transcript variant (1), intron variant (1).
Genome position (GRCh38, 1-based): chr21:33,554,222, T>C. VCF-style: chr21-33554222-T-C. GRCh37 (hg19) VCF-style: chr21-34926528-T-C.
Other names: c.4991T>C (NM_138927.2); c.4991T>C, p.Ile1664Thr (NM_001291411.2, NM_032195.3); c.245-2934T>C (NM_001291412.3); short protein forms I1664T.
Identifiers: ClinVar variation 1408747 (VCV001408747.40), dbSNP rs764307070, ClinGen allele CA10009637.